The following is an entry in ClinVar:

NM_006343.3(MERTK):c.524G>A (p.Cys175Tyr)

Gene: MERTK (MER proto-oncogene, tyrosine kinase; plus strand). Cytogenetic location: 2q13.
Variant type: single nucleotide variant.
Coding change: c.524G>A on transcript NM_006343.3 (MANE Select); coding-DNA position 524, G replaced by A.
Protein change: p.Cys175Tyr; replaces cysteine 175 with tyrosine.
Molecular consequence: missense variant.
Genome position (GRCh38, 1-based): chr2:111,945,001, G>A. VCF-style: chr2-111945001-G-A. GRCh37 (hg19) VCF-style: chr2-112702578-G-A.
Other names: short protein forms C175Y.
Identifiers: ClinVar variation 1004364 (VCV001004364.8), dbSNP rs760310008, ClinGen allele CA1831068.

ClinVar aggregate classification (germline): Uncertain significance (1 of 4 stars; one submission).

gnomAD v4.1: 1 of 1,613,806 alleles (0.000062%); highest among the groups gnomAD compares: Admixed American, 0.0017%; no homozygotes.

Submission:

Labcorp Genetics (formerly Invitae), Labcorp
Classification: Uncertain significance. Last evaluated: 2020-07-21. Review status: criteria provided, single submitter. Criteria: Invitae Variant Classification Sherloc (09022015). Collection method: clinical testing. Allele origin: germline.
Comment: In summary, the available evidence is currently insufficient to determine the role of this variant in disease. Therefore, it has been classified as a Variant of Uncertain Significance. Algorithms developed to predict the effect of missense changes on protein structure and function (SIFT, PolyPhen-2, Align-GVGD) all suggest that this variant is likely to be disruptive, but these predictions have not been confirmed by published functional studies and their clinical significance is uncertain. This variant has not been reported in the literature in individuals with MERTK-related conditions. This variant is present in population databases (rs760310008, ExAC 0.009%). This sequence change replaces cysteine with tyrosine at codon 175 of the MERTK protein (p.Cys175Tyr). The cysteine residue is highly conserved and there is a large physicochemical difference between cysteine and tyrosine.